The following is an entry in ClinVar:

NM_006623.4(PHGDH):c.940G>A (p.Gly314Arg)

Gene: PHGDH (phosphoglycerate dehydrogenase; plus strand). Cytogenetic location: 1p12.
Variant type: single nucleotide variant.
Coding change: c.940G>A on transcript NM_006623.4 (MANE Select); coding-DNA position 940, G replaced by A.
Protein change: p.Gly314Arg; replaces glycine 314 with arginine.
Molecular consequence: missense variant.
Genome position (GRCh38, 1-based): chr1:119,737,261, G>A. VCF-style: chr1-119737261-G-A. GRCh37 (hg19) VCF-style: chr1-120279884-G-A.
Other names: c.940G>A (NM_006623.3); short protein forms G314R.
Identifiers: ClinVar variation 1936245 (VCV001936245.6), dbSNP rs2464171399, ClinGen allele CA341851536.

ClinVar aggregate classification (germline): Uncertain significance. Review status: criteria provided, single submitter (1 of 4 stars). 2 submissions from 2 submitters: Uncertain significance (1). 1 of the submissions does not count toward it. Last evaluated 2022-05-15.

Conditions:
PHGDH deficiency. Identifiers: Orphanet 79351, MedGen C1866174, MONDO:0011152, OMIM 601815.

Submissions (2):

Labcorp Genetics (formerly Invitae), Labcorp
Classification: Uncertain significance for PHGDH deficiency. Last evaluated: 2022-05-15. Review status: criteria provided, single submitter. Criteria: Invitae Variant Classification Sherloc (09022015). Collection method: clinical testing. Allele origin: germline.
Comment: This variant has not been reported in the literature in individuals affected with PHGDH-related conditions. This variant is not present in population databases (gnomAD no frequency). This sequence change replaces glycine, which is neutral and non-polar, with arginine, which is basic and polar, at codon 314 of the PHGDH protein (p.Gly314Arg). Algorithms developed to predict the effect of missense changes on protein structure and function (SIFT, PolyPhen-2, Align-GVGD) all suggest that this variant is likely to be disruptive. In summary, the available evidence is currently insufficient to determine the role of this variant in disease. Therefore, it has been classified as a Variant of Uncertain Significance.

Natera, Inc.
Classification: Uncertain significance for Phosphoglycerate dehydrogenase deficiency. Last evaluated: 2025-05-08. Review status: no assertion criteria provided. Collection method: clinical testing. Allele origin: germline. Not counted in ClinVar's aggregate classification.